The following is an entry in ClinVar:

NM_003011.4(SET):c.452del (p.Pro151fs)

Gene: SET (SET nuclear proto-oncogene; plus strand). Cytogenetic location: 9q34.11.
Variant type: Deletion.
Coding change: c.452del on transcript NM_003011.4 (MANE Select); coding-DNA position 452, one base deleted (C; older notation c.452delC).
Protein change: p.Pro151fs; shifts the reading frame from proline 151.
Molecular consequence: frameshift variant.
Genome position (GRCh38, 1-based): chr9:128,692,941, C deleted; the last of 2 consecutive C bases (chr9:128,692,940-128,692,941); deleting either gives the same sequence. VCF-style (leftmost placement, unchanged base first): chr9-128692939-TC-T. GRCh37 (hg19) VCF-style: chr9-131455218-TC-T.
Other names: c.491del, p.Pro164fs (NM_001122821.2, NM_001374326.1); c.425del, p.Pro142fs (NM_001248000.2); c.419del, p.Pro140fs (NM_001248001.2); short protein forms P164fs, P140fs, P142fs, P151fs.
Identifiers: ClinVar variation 3160560 (VCV003160560.1), dbSNP rs2490437438, ClinGen allele CA2825001607.

ClinVar aggregate classification (germline): Pathogenic (1 of 4 stars; one submission).

Conditions:
Inborn genetic diseases. Identifiers: MedGen C0950123, MeSH D030342.

Submission:

Ambry Genetics
Classification: Pathogenic for Inborn genetic diseases. Last evaluated: 2024-02-15. Review status: criteria provided, single submitter. Criteria: Ambry Variant Classification Scheme 2023. Collection method: clinical testing. Allele origin: germline.
Comment: The c.491delC (p.P164Hfs*16) alteration, located in exon 5 (coding exon 5) of the SET gene, consists of a deletion of one nucleotide at position 491, causing a translational frameshift with a predicted alternate stop codon after 16 amino acids. This alteration is expected to result in loss of function by premature protein truncation or nonsense-mediated mRNA decay. This variant was not reported in population-based cohorts in the Genome Aggregation Database (gnomAD). Based on the available evidence, this alteration is classified as pathogenic.